The following is an entry in ClinVar:

NM_006218.4(PIK3CA):c.2774A>T (p.Asp925Val)

Gene: PIK3CA (phosphatidylinositol-4,5-bisphosphate 3-kinase catalytic subunit alpha; plus strand). Cytogenetic location: 3q26.32.
Variant type: single nucleotide variant.
Coding change: c.2774A>T on transcript NM_006218.4 (MANE Select); coding-DNA position 2774, A replaced by T.
Protein change: p.Asp925Val; replaces aspartic acid 925 with valine.
Molecular consequence: missense variant.
Genome position (GRCh38, 1-based): chr3:179,230,111, A>T. VCF-style: chr3-179230111-A-T. GRCh37 (hg19) VCF-style: chr3-178947899-A-T.
Other names: short protein forms D925V.
Identifiers: ClinVar variation 5026691 (VCV005026691.1).

ClinVar aggregate classification (germline): Uncertain significance (1 of 4 stars; one submission).

Conditions:
Inborn genetic diseases. Identifiers: MedGen C0950123, MeSH D030342.

Submission:

Ambry Genetics
Classification: Uncertain significance for Inborn genetic diseases. Last evaluated: 2026-07-19. Review status: criteria provided, single submitter. Criteria: Ambry Variant Classification Scheme 2023. Collection method: clinical testing. Allele origin: germline.
Comment: The p.D925V variant (also known as c.2774A>T), located in coding exon 18 of the PIK3CA gene, results from an A to T substitution at nucleotide position 2774. The aspartic acid at codon 925 is replaced by valine, an amino acid with highly dissimilar properties. This amino acid position is conserved. In addition, the in silico prediction for this alteration is inconclusive. Based on the available evidence, the clinical significance of this variant remains unclear.